The following is an entry in ClinVar:

NM_001256071.3(RNF213):c.4421C>T (p.Ser1474Phe)

Gene: RNF213 (ring finger protein 213; plus strand). Cytogenetic location: 17q25.3.
Variant type: single nucleotide variant.
Coding change: c.4421C>T on transcript NM_001256071.3 (MANE Select); coding-DNA position 4421, C replaced by T.
Protein change: p.Ser1474Phe; replaces serine 1474 with phenylalanine.
Molecular consequence: missense variant.
Genome position (GRCh38, 1-based): chr17:80,336,272, C>T. VCF-style: chr17-80336272-C-T. GRCh37 (hg19) VCF-style: chr17-78310072-C-T.
Other names: c.4568C>T, p.Ser1523Phe (NM_020914.5, NM_001410195.1); c.4421C>T (NM_001256071.2); short protein forms S1474F, S1523F.
Identifiers: ClinVar variation 2075528 (VCV002075528.6), dbSNP rs373484744, ClinGen allele CA8820246.

ClinVar aggregate classification (germline): Uncertain significance. Review status: criteria provided, multiple submitters, no conflicts (2 of 4 stars). 3 submissions from 3 submitters: Uncertain significance (3). Last evaluated 2025-12-23.

Conditions:
RNF213-related disorder. Also called: RNF213-related condition.

Allele frequency attached by ClinVar (database versions not stated): ExAC 0.00006; gnomAD 0.00009; TOPMed 0.00014.
gnomAD v4.1: 143 of 1,537,142 alleles (0.0093%); highest among the groups gnomAD compares: East Asian, 0.078%; 2 homozygotes.

Submissions (3):

PreventionGenetics, part of Exact Sciences
Classification: Uncertain significance for RNF213-related condition. Last evaluated: 2025-12-23. Review status: criteria provided, single submitter. Criteria: ACMG Guidelines, 2015. Collection method: clinical testing. Allele origin: germline.
Comment: The RNF213 c.4421C>T variant is predicted to result in the amino acid substitution p.Ser1474Phe. This variant was reported in an individual with Moyamoya disease (Shoemaker et al. 2015. PubMed ID: 26530418). This variant is reported in 0.057% of alleles in individuals of East Asian descent in gnomAD. At this time, the clinical significance of this variant is uncertain due to the absence of conclusive functional and genetic evidence.

Blueprint Genetics
Classification: Uncertain significance. Last evaluated: 2024-11-26. Review status: criteria provided, single submitter. Criteria: ACMG Guidelines, 2015. Collection method: clinical testing. Allele origin: germline.

Labcorp Genetics (formerly Invitae), Labcorp
Classification: Uncertain significance. Last evaluated: 2024-07-08. Review status: criteria provided, single submitter. Criteria: Invitae Variant Classification Sherloc (09022015). Collection method: clinical testing. Allele origin: germline.
Comment: This sequence change replaces serine, which is neutral and polar, with phenylalanine, which is neutral and non-polar, at codon 1474 of the RNF213 protein (p.Ser1474Phe). This variant is present in population databases (rs373484744, gnomAD 0.04%). This missense change has been observed in individual(s) with Moyamoya disease (PMID: 26530418). ClinVar contains an entry for this variant (Variation ID: 2075528). An algorithm developed to predict the effect of missense changes on protein structure and function (PolyPhen-2) suggests that this variant is likely to be disruptive. In summary, the available evidence is currently insufficient to determine the role of this variant in disease. Therefore, it has been classified as a Variant of Uncertain Significance.

Literature cited by the submitters: PubMed 26530418 (cited by Labcorp Genetics (formerly Invitae), Labcorp).